The following is an entry in ClinVar:

NM_003106.4(SOX2):c.819G>C (p.Met273Ile)

Genes: SOX2-OT (SOX2 overlapping transcript; plus strand), SOX2 (SRY-box transcription factor 2; plus strand). Cytogenetic location: 3q26.33.
Variant type: single nucleotide variant.
Coding change: c.819G>C on transcript NM_003106.4 (MANE Select); coding-DNA position 819, G replaced by C.
Protein change: p.Met273Ile; replaces methionine 273 with isoleucine.
Molecular consequence: missense variant.
Genome position (GRCh38, 1-based): chr3:181,713,179, G>C. VCF-style: chr3-181713179-G-C. GRCh37 (hg19) VCF-style: chr3-181430967-G-C.
Other names: short protein forms M273I.
Identifiers: ClinVar variation 2782071 (VCV002782071.3), dbSNP rs2108523525, ClinGen allele CA355474722.

ClinVar aggregate classification (germline): Uncertain significance (1 of 4 stars; one submission).

Conditions:
Anophthalmia/microphthalmia-esophageal atresia syndrome (MCOPS3). Also called: AEG SYNDROME; MICROPHTHALMIA AND ESOPHAGEAL ATRESIA SYNDROME; SOX2 Disorder. Identifiers: Orphanet 77298, MedGen C1859773, MONDO:0008799, OMIM 206900.

Submission:

Labcorp Genetics (formerly Invitae), Labcorp
Classification: Uncertain significance for Anophthalmia/microphthalmia-esophageal atresia syndrome. Last evaluated: 2023-10-20. Review status: criteria provided, single submitter. Criteria: Invitae Variant Classification Sherloc (09022015). Collection method: clinical testing. Allele origin: germline.
Comment: This sequence change replaces methionine, which is neutral and non-polar, with isoleucine, which is neutral and non-polar, at codon 273 of the SOX2 protein (p.Met273Ile). This variant is not present in population databases (gnomAD no frequency). This variant has not been reported in the literature in individuals affected with SOX2-related conditions. An algorithm developed to predict the effect of missense changes on protein structure and function (PolyPhen-2) suggests that this variant is likely to be disruptive. In summary, the available evidence is currently insufficient to determine the role of this variant in disease. Therefore, it has been classified as a Variant of Uncertain Significance.